The following is an entry in ClinVar:

ClinVar aggregate classification (germline): Uncertain significance (1 of 4 stars; one submission).

Conditions:
Familial cancer of breast. Also called: hereditary breast carcinoma; Hereditary breast cancer; BREAST CANCER, FAMILIAL. Identifiers: Orphanet 227535, MedGen C0346153, MONDO:0016419, OMIM 114480. Disease mechanism: loss of function.

Submission:

Labcorp Genetics (formerly Invitae), Labcorp
Classification: Uncertain significance for Familial cancer of breast. Last evaluated: 2023-07-28. Review status: criteria provided, single submitter. Criteria: Invitae Variant Classification Sherloc (09022015). Collection method: clinical testing. Allele origin: germline.
Comment: In summary, the available evidence is currently insufficient to determine the role of this variant in disease. Therefore, it has been classified as a Variant of Uncertain Significance. An algorithm developed to predict the effect of missense changes on protein structure and function (PolyPhen-2) suggests that this variant is likely to be tolerated. This variant is not present in population databases (gnomAD no frequency). This variant has not been reported in the literature in individuals affected with BARD1-related conditions. This sequence change replaces alanine, which is neutral and non-polar, with proline, which is neutral and non-polar, at codon 200 of the BARD1 protein (p.Ala200Pro).

NM_000465.4(BARD1):c.598G>C (p.Ala200Pro)

Gene: BARD1 (BRCA1 associated RING domain 1; minus strand). Cytogenetic location: 2q35.
Variant type: single nucleotide variant.
Coding change: c.598G>C on transcript NM_000465.4 (MANE Select); coding-DNA position 598, G replaced by C.
Protein change: p.Ala200Pro; replaces alanine 200 with proline.
Molecular consequence: missense variant. On other transcripts: non-coding transcript variant (2), intron variant (3).
Genome position (GRCh38, 1-based): chr2:214,781,276, C>G on the plus strand (G>C on the coding strand, the complement: BARD1 is on the minus strand). VCF-style: chr2-214781276-C-G. GRCh37 (hg19) VCF-style: chr2-215646000-C-G.
Other names: c.541G>C, p.Ala181Pro (NM_001282543.2); c.158+28136G>C (NM_001282548.2); c.215+15785G>C (NM_001282545.2); c.364+11021G>C (NM_001282549.2); short protein forms A181P, A200P.
Identifiers: ClinVar variation 2863346 (VCV002863346.3), dbSNP rs1695013070, ClinGen allele CA350456766.